The following is an entry in ClinVar:

NM_032444.4(SLX4):c.3599A>T (p.Asp1200Val)

Gene: SLX4 (SLX4 structure-specific endonuclease subunit; minus strand). Cytogenetic location: 16p13.3.
Variant type: single nucleotide variant.
Coding change: c.3599A>T on transcript NM_032444.4 (MANE Select); coding-DNA position 3599, A replaced by T.
Protein change: p.Asp1200Val; replaces aspartic acid 1200 with valine.
Molecular consequence: missense variant.
Genome position (GRCh38, 1-based): chr16:3,590,039, T>A on the plus strand (A>T on the coding strand, the complement: SLX4 is on the minus strand). VCF-style: chr16-3590039-T-A. GRCh37 (hg19) VCF-style: chr16-3640040-T-A.
Other names: short protein forms D1200V.
Identifiers: ClinVar variation 1059668 (VCV001059668.10), dbSNP rs1165195894, ClinGen allele CA394519784.
Genomic context (GRCh38, chr16:3,590,039, plus strand): 5'-CCCTCATCCTCCTGCTGCAGCACAGCTTCGCTTCTTGGTGGGCTCTGGGAAGGTTCCTGA[T>A]CTGCATCAACATCAATGATGGAAAACAGCTCACAGGACCTAGGGCTAATTTCTAGAGCTT-3'
Protein context (NP_115820.2, residues 1190-1210): ELFSIIDVDA[Asp1200Val]QEPSQSPPRS

ClinVar aggregate classification (germline): Uncertain significance. Review status: criteria provided, multiple submitters, no conflicts (2 of 4 stars). 2 submissions from 2 submitters: Uncertain significance (2). Last evaluated 2025-10-03.

Conditions:
Fanconi anemia (FA). Also called: Fanconi's anemia. Identifiers: Orphanet 84, MedGen C0015625, MeSH D005199, MONDO:0019391.
Fanconi anemia complementation group P. Also called: SLX4-Related Fanconi Anemia. Identifiers: Orphanet 84, MedGen C3469542, MONDO:0013499, OMIM 613951.

Allele frequency attached by ClinVar (database versions not stated): gnomAD exomes below 0.00001 and 0.00001; TOPMed below 0.00001.
gnomAD v4.1: 15 of 1,614,106 alleles (0.00093%); highest among the groups gnomAD compares: Non-Finnish European, 0.0013%; no homozygotes.

Submissions (2):

Labcorp Genetics (formerly Invitae), Labcorp
Classification: Uncertain significance for Fanconi anemia. Last evaluated: 2025-10-03. Review status: criteria provided, single submitter. Criteria: Invitae Variant Classification Sherloc (09022015). Collection method: clinical testing. Allele origin: germline.
Comment: This sequence change replaces aspartic acid, which is acidic and polar, with valine, which is neutral and non-polar, at codon 1200 of the SLX4 protein (p.Asp1200Val). This variant is present in population databases (no rsID available, gnomAD 0.0009%). This variant has not been reported in the literature in individuals affected with SLX4-related conditions. ClinVar contains an entry for this variant (Variation ID: 1059668). An algorithm developed to predict the effect of missense changes on protein structure and function (PolyPhen-2) suggests that this variant is likely to be disruptive. In summary, the available evidence is currently insufficient to determine the role of this variant in disease. Therefore, it has been classified as a Variant of Uncertain Significance.

Fulgent Genetics
Classification: Uncertain significance for Fanconi anemia complementation group P. Last evaluated: 2024-04-18. Review status: criteria provided, single submitter. Criteria: ACMG Guidelines, 2015. Collection method: clinical testing. Allele origin: germline.